The following is an entry in ClinVar:

ClinVar aggregate classification (germline): Uncertain significance (1 of 4 stars; one submission).

Conditions:
Short-rib thoracic dysplasia 11 with or without polydactyly (SRTD11). Also called: SHORT-RIB THORACIC DYSPLASIA 11 WITHOUT POLYDACTYLY. Identifiers: Orphanet 474, Orphanet 93271, MedGen C3810200, MONDO:0014287, OMIM 615633.

Allele frequency attached by ClinVar (database versions not stated): TOPMed below 0.00001; gnomAD 0.00001.
gnomAD v4.1: 22 of 1,614,068 alleles (0.0014%); highest among the groups gnomAD compares: Admixed American, 0.0033%; no homozygotes.

Submission:

Labcorp Genetics (formerly Invitae), Labcorp
Classification: Uncertain significance for Short-rib thoracic dysplasia 11 with or without polydactyly. Last evaluated: 2021-09-24. Review status: criteria provided, single submitter. Criteria: Invitae Variant Classification Sherloc (09022015). Collection method: clinical testing. Allele origin: germline.
Comment: This sequence change replaces alanine with threonine at codon 109 of the WDR34 protein (p.Ala109Thr). The alanine residue is moderately conserved and there is a small physicochemical difference between alanine and threonine. This variant is present in population databases (rs773435636, ExAC 0.009%). This variant has not been reported in the literature in individuals affected with WDR34-related conditions. Algorithms developed to predict the effect of missense changes on protein structure and function (SIFT, PolyPhen-2, Align-GVGD) all suggest that this variant is likely to be tolerated. In summary, the available evidence is currently insufficient to determine the role of this variant in disease. Therefore, it has been classified as a Variant of Uncertain Significance.

NM_052844.4(DYNC2I2):c.325G>A (p.Ala109Thr)

Gene: DYNC2I2 (dynein 2 intermediate chain 2; minus strand). Cytogenetic location: 9q34.11.
Variant type: single nucleotide variant.
Coding change: c.325G>A on transcript NM_052844.4 (MANE Select); coding-DNA position 325, G replaced by A.
Protein change: p.Ala109Thr; replaces alanine 109 with threonine.
Molecular consequence: missense variant.
Genome position (GRCh38, 1-based): chr9:128,640,801, C>T on the plus strand (G>A on the coding strand, the complement: DYNC2I2 is on the minus strand). VCF-style: chr9-128640801-C-T. GRCh37 (hg19) VCF-style: chr9-131403080-C-T.
Other names: short protein forms A109T.
Identifiers: ClinVar variation 1681255 (VCV001681255.3), dbSNP rs773435636, ClinGen allele CA5266657.